The following is an entry in ClinVar:

NM_001122965.1(RPTN):c.474T>C (p.His158=)

Gene: RPTN (repetin; minus strand). Cytogenetic location: 1q21.3.
Variant type: single nucleotide variant.
Coding change: c.474T>C on transcript NM_001122965.1 (MANE Select); coding-DNA position 474, T replaced by C.
Protein change: p.His158=; no amino-acid change (histidine 158 retained).
Molecular consequence: synonymous variant.
Genome position (GRCh38, 1-based): chr1:152,156,625, A>G on the plus strand (T>C on the coding strand, the complement: RPTN is on the minus strand). VCF-style: chr1-152156625-A-G. GRCh37 (hg19) VCF-style: chr1-152129101-A-G.
Identifiers: ClinVar variation 2639195 (VCV002639195.24), dbSNP rs117596468, ClinGen allele CA1099724.

ClinVar aggregate classification (germline): Likely benign (1 of 4 stars; one submission).

Allele frequency attached by ClinVar (database versions not stated): ExAC 0.00015; gnomAD 0.00019; gnomAD exomes 0.00031.
gnomAD v4.1: 301 of 1,040,632 alleles (0.029%); highest among the groups gnomAD compares: Non-Finnish European, 0.036%; no homozygotes.

Submission:

CeGaT Center for Human Genetics Tuebingen
Classification: Likely benign. Last evaluated: 2023-10-01. Review status: criteria provided, single submitter. Criteria: CeGaT Center For Human Genetics Tuebingen Variant Classification Criteria Version 2. Collection method: clinical testing. Allele origin: germline. Affected: yes. Observed: 2 variant alleles.
Comment: RPTN: BP4, BP7